The following is an entry in ClinVar:

NM_001205293.3(CACNA1E):c.4896A>C (p.Ile1632=)

Gene: CACNA1E (calcium voltage-gated channel subunit alpha1 E; plus strand). Cytogenetic location: 1q25.3.
Variant type: single nucleotide variant.
Coding change: c.4896A>C on transcript NM_001205293.3 (MANE Select); coding-DNA position 4896, A replaced by C.
Protein change: p.Ile1632=; no amino-acid change (isoleucine 1632 retained).
Molecular consequence: synonymous variant.
Genome position (GRCh38, 1-based): chr1:181,771,307, A>C. VCF-style: chr1-181771307-A-C. GRCh37 (hg19) VCF-style: chr1-181740443-A-C.
Other names: c.4896A>C, p.Ile1632= (NM_000721.4); c.4839A>C, p.Ile1613= (NM_001205294.2).
Identifiers: ClinVar variation 3052615 (VCV003052615.3), dbSNP rs540298590, ClinGen allele CA33841063.

ClinVar aggregate classification (germline): Likely benign. Review status: criteria provided, single submitter (1 of 4 stars). 2 submissions from 2 submitters: Likely benign (1). 1 of the submissions does not count toward it. Last evaluated 2025-12-03.

Conditions:
CACNA1E-related disorder. Also called: CACNA1E-related condition.

Allele frequency attached by ClinVar (database versions not stated): gnomAD 0.00001; TOPMed 0.00002; 1000 Genomes Project 30x 0.00016; 1000 Genomes Project 0.00020.
gnomAD v4.1: 1 of 1,576,858 alleles (0.000063%); highest among the groups gnomAD compares: South Asian, 0.0012%; no homozygotes.

Submissions (2):

Labcorp Genetics (formerly Invitae), Labcorp
Classification: Likely benign. Last evaluated: 2025-12-03. Review status: criteria provided, single submitter. Criteria: Invitae Variant Classification Sherloc (09022015). Collection method: clinical testing. Allele origin: germline.

PreventionGenetics, part of Exact Sciences
Classification: Likely benign for CACNA1E-related condition. Last evaluated: 2019-08-29. Review status: no assertion criteria provided. Collection method: clinical testing. Allele origin: germline. Not counted in ClinVar's aggregate classification.
Comment: This variant is classified as likely benign based on ACMG/AMP sequence variant interpretation guidelines (Richards et al. 2015 PMID: 25741868, with internal and published modifications).